The following is an entry in ClinVar:

ClinVar aggregate classification (germline): Benign/Likely benign. Review status: criteria provided, multiple submitters, no conflicts (2 of 4 stars). 6 submissions from 6 submitters: Benign (5); Likely benign (1). Last evaluated 2026-02-04.

Conditions:
Primary ciliary dyskinesia. Also called: Ciliary dyskinesia. Identifiers: Orphanet 244, MedGen C0008780, MONDO:0016575, HP:0012265.

Allele frequency attached by ClinVar (database versions not stated): 1000 Genomes Project 30x 0.01109; 1000 Genomes Project 0.01158; gnomAD 0.02307 and 0.02314; TOPMed 0.02342; ExAC 0.02391; gnomAD exomes 0.02393; ESP Exome Variant Server 0.02640.
gnomAD v4.1: 52,022 of 1,613,862 alleles (3.2%); highest among the groups gnomAD compares: Non-Finnish European, 3.8%; 1,006 homozygotes.

Submissions (6):

Labcorp Genetics (formerly Invitae), Labcorp
Classification: Benign for Primary ciliary dyskinesia. Last evaluated: 2026-02-04. Review status: criteria provided, single submitter. Criteria: Invitae Variant Classification Sherloc (09022015). Collection method: clinical testing. Allele origin: germline.

Blueprint Genetics
Classification: Likely benign. Last evaluated: 2024-11-26. Review status: criteria provided, single submitter. Criteria: ACMG Guidelines, 2015. Collection method: clinical testing. Allele origin: germline.

Mayo Clinic Laboratories, Mayo Clinic
Classification: Benign. Last evaluated: 2023-04-17. Review status: criteria provided, single submitter. Criteria: ACMG Guidelines, 2015. Collection method: clinical testing. Allele origin: germline. Observed: 14 variant alleles.
Comment: BS1, BS2, BP4

GeneDx
Classification: Benign. Last evaluated: 2020-03-03. Review status: criteria provided, single submitter. Criteria: GeneDx Variant Classification Process June 2021. Collection method: clinical testing. Allele origin: germline. Affected: yes.

Laboratory for Molecular Medicine, Mass General Brigham Personalized Medicine
Classification: Benign. Last evaluated: 2013-02-21. Review status: criteria provided, single submitter. Criteria: LMM Criteria. Collection method: clinical testing. Allele origin: germline. Observed: 5 variant alleles.
Comment: Ala4315Thr in exon 79 of DNAH11: This variant is not expected to have clinical s ignificance because it has been identified in 3.6% (294/8262) of European Americ an chromosomes from a broad population by the NHLBI Exome Sequencing Project (dbSNP rs72658825).

PreventionGenetics, part of Exact Sciences
Classification: Benign. Review status: criteria provided, single submitter. Criteria: ACMG Guidelines, 2015. Collection method: clinical testing. Allele origin: germline.

NM_001277115.2(DNAH11):c.12943G>A (p.Ala4315Thr)

Gene: DNAH11 (dynein axonemal heavy chain 11; plus strand). Cytogenetic location: 7p15.3.
Variant type: single nucleotide variant.
Coding change: c.12943G>A on transcript NM_001277115.2 (MANE Select); coding-DNA position 12943, G replaced by A.
Protein change: p.Ala4315Thr; replaces alanine 4315 with threonine.
Molecular consequence: missense variant.
Genome position (GRCh38, 1-based): chr7:21,894,893, G>A. VCF-style: chr7-21894893-G-A. GRCh37 (hg19) VCF-style: chr7-21934511-G-A.
Other names: short protein forms A4315T.
Identifiers: ClinVar variation 178738 (VCV000178738.21), dbSNP rs72658825, ClinGen allele CA182913.